The following is an entry in ClinVar:

ClinVar aggregate classification (germline): Pathogenic (1 of 4 stars; one submission).

Conditions:
Bardet-Biedl syndrome (BBS). Identifiers: Orphanet 110, MedGen C0752166, MONDO:0015229.
McKusick-Kaufman syndrome (MKKS). Also called: HYDROMETROCOLPOS SYNDROME; HYDROMETROCOLPOS, POSTAXIAL POLYDACTYLY, AND CONGENITAL HEART MALFORMATION. Identifiers: Orphanet 2473, MedGen C0948368, MONDO:0009367, OMIM 236700.

Submission:

Labcorp Genetics (formerly Invitae), Labcorp
Classification: Pathogenic for McKusick-Kaufman syndrome; Bardet-Biedl syndrome. Last evaluated: 2025-08-11. Review status: criteria provided, single submitter. Criteria: Invitae Variant Classification Sherloc (09022015). Collection method: clinical testing. Allele origin: germline.
Comment: This sequence change creates a premature translational stop signal (p.Gln226*) in the MKKS gene. It is expected to result in an absent or disrupted protein product. Loss-of-function variants in MKKS are known to be pathogenic (PMID: 11179009, 28761321, 30614526). This variant is not present in population databases (gnomAD no frequency). This variant has not been reported in the literature in individuals affected with MKKS-related conditions. ClinVar contains an entry for this variant (Variation ID: 1408352). For these reasons, this variant has been classified as Pathogenic.

Literature cited by the submitters: PubMed 11179009; PubMed 28761321; PubMed 30614526.

NM_170784.3(MKKS):c.676C>T (p.Gln226Ter)

Gene: MKKS (MKKS centrosomal shuttling protein; minus strand). Cytogenetic location: 20p12.2.
Variant type: single nucleotide variant.
Coding change: c.676C>T on transcript NM_170784.3 (MANE Select); coding-DNA position 676, C replaced by T.
Protein change: p.Gln226Ter; replaces glutamine 226 with a stop codon.
Molecular consequence: nonsense.
Genome position (GRCh38, 1-based): chr20:10,412,839, G>A on the plus strand (C>T on the coding strand, the complement: MKKS is on the minus strand). VCF-style: chr20-10412839-G-A. GRCh37 (hg19) VCF-style: chr20-10393487-G-A.
Other names: c.676C>T, p.Gln226Ter (NM_018848.3); short protein forms Q226*.
Identifiers: ClinVar variation 1408352 (VCV001408352.6), dbSNP rs2122234652, ClinGen allele CA408232584.